The following is an entry in ClinVar:

NM_001267550.2(TTN):c.51620A>G (p.Tyr17207Cys)

Genes: TTN (titin; minus strand), TTN-AS1 (TTN antisense RNA 1; plus strand). Cytogenetic location: 2q31.2.
Variant type: single nucleotide variant.
Coding change: c.51620A>G on transcript NM_001267550.2 (MANE Select); coding-DNA position 51620, A replaced by G.
Protein change: p.Tyr17207Cys; replaces tyrosine 17207 with cysteine.
Molecular consequence: missense variant.
Genome position (GRCh38, 1-based): chr2:178,609,803, T>C on the plus strand (A>G on the coding strand, the complement: TTN is on the minus strand). VCF-style: chr2-178609803-T-C. GRCh37 (hg19) VCF-style: chr2-179474530-T-C.
Other names: c.46697A>G, p.Tyr15566Cys (NM_001256850.1); c.24425A>G, p.Tyr8142Cys (NM_003319.4); c.43916A>G, p.Tyr14639Cys (NM_133378.4); c.24800A>G, p.Tyr8267Cys (NM_133432.3); c.25001A>G, p.Tyr8334Cys (NM_133437.4); short protein forms Y14639C, Y15566C, Y17207C, Y8142C, Y8267C, Y8334C.
Identifiers: ClinVar variation 2501443 (VCV002501443.1), dbSNP rs2470406985, ClinGen allele CA349583822.

ClinVar aggregate classification (germline): Uncertain significance (1 of 4 stars; one submission).

Submission:

GeneDx
Classification: Uncertain significance. Last evaluated: 2022-11-02. Review status: criteria provided, single submitter. Criteria: GeneDx Variant Classification Process June 2021. Collection method: clinical testing. Allele origin: germline. Affected: yes.
Comment: Not observed at significant frequency in large population cohorts (gnomAD); Missense variant in a gene in which most reported pathogenic variants are truncating/loss of function; Has not been previously published as pathogenic or benign to our knowledge